The following is an entry in ClinVar:

NM_152701.5(ABCA13):c.13648A>G (p.Thr4550Ala)

Gene: ABCA13 (ATP binding cassette subfamily A member 13; plus strand). Cytogenetic location: 7p12.3.
Variant type: single nucleotide variant.
Coding change: c.13648A>G on transcript NM_152701.5 (MANE Select); coding-DNA position 13648, A replaced by G.
Protein change: p.Thr4550Ala; replaces threonine 4550 with alanine.
Molecular consequence: missense variant.
Genome position (GRCh38, 1-based): chr7:48,516,732, A>G. VCF-style: chr7-48516732-A-G. GRCh37 (hg19) VCF-style: chr7-48556328-A-G.
Other names: NC_000007.13:g.48556328A>G; short protein forms T4550A.
Identifiers: ClinVar variation 2657493 (VCV002657493.25), dbSNP rs78734445, ClinGen allele CA4259432.

ClinVar aggregate classification (germline): Likely benign (1 of 4 stars; one submission).

Allele frequency attached by ClinVar (database versions not stated): 1000 Genomes Project 0.00260; 1000 Genomes Project 30x 0.00328; TOPMed 0.00348; ESP Exome Variant Server 0.00367; ExAC 0.00374; gnomAD 0.00408.
gnomAD v4.1: 7,678 of 1,613,222 alleles (0.48%); highest among the groups gnomAD compares: Non-Finnish European, 0.53%; 33 homozygotes.

Submissions (5):

CeGaT Center for Human Genetics Tuebingen
Classification: Likely benign. Last evaluated: 2026-06-01. Review status: criteria provided, single submitter. Criteria: CeGaT Center For Human Genetics Tuebingen Variant Classification Criteria Version 2. Collection method: clinical testing. Allele origin: germline. Affected: yes. Observed: 7 variant alleles.
Comment: ABCA13: BS2

Dr. Peter K. Rogan Lab, Western University
No classification provided (evidence only). Condition: Malignant lymphoma, large B-cell, diffuse. Review status: no classification provided. Collection method: in vitro. Allele origin: not applicable. Functional consequence: retained intron. Not counted in ClinVar's aggregate classification.

Dr. Peter K. Rogan Lab, Western University
No classification provided (evidence only). Condition: Nonpapillary renal cell carcinoma. Review status: no classification provided. Collection method: in vitro. Allele origin: not applicable. Functional consequence: retained intron. Not counted in ClinVar's aggregate classification.

Dr. Peter K. Rogan Lab, Western University
No classification provided (evidence only). Condition: Nonpapillary renal cell carcinoma. Review status: no classification provided. Collection method: in vitro. Allele origin: not applicable. Functional consequence: retained intron. Not counted in ClinVar's aggregate classification.

Dr. Peter K. Rogan Lab, Western University
No classification provided (evidence only). Condition: Ovarian serous cystadenocarcinoma. Review status: no classification provided. Collection method: in vitro. Allele origin: not applicable. Functional consequence: retained intron. Not counted in ClinVar's aggregate classification.